The following is an entry in ClinVar:

ClinVar aggregate classification (germline): Likely pathogenic (1 of 4 stars; one submission).

Conditions:
Long chain 3-hydroxyacyl-CoA dehydrogenase deficiency. Also called: LCHAD Deficiency; Deficiency of long-chain 3-hydroxyacyl-coenzyme A dehydrogenase. Identifiers: Orphanet 5, MedGen C3711645, MONDO:0012173, OMIM 609016.

Submission:

Myriad Genetics, Inc.
Classification: Likely pathogenic for Long chain 3-hydroxyacyl-CoA dehydrogenase deficiency. Last evaluated: 2022-03-29. Review status: criteria provided, single submitter. Criteria: Myriad Autosomal Dominant, Autosomal Recessive and X-Linked Classification Criteria (2023). Collection method: clinical testing. Allele origin: unknown.
Comment: NM_000182.4(HADHA):c.284_288del5(P95Lfs*7) is expected to be pathogenic in the context of HADHA-related disorders. This variant is predicted to lead to an abnormal or absent protein product due to the creation of a premature termination codon in HADHA, a gene where loss-of-function variants are known to be pathogenic. Please note: this variant was assessed in the context of healthy population screening.

NM_000182.5(HADHA):c.284_288del (p.Pro95fs)

Gene: HADHA (hydroxyacyl-CoA dehydrogenase trifunctional multienzyme complex subunit alpha; minus strand). Cytogenetic location: 2p23.3.
Variant type: Deletion.
Coding change: c.284_288del on transcript NM_000182.5 (MANE Select); coding-DNA positions 284 to 288, 5 bases deleted (CAGGC; older notation c.284_288delCAGGC).
Protein change: p.Pro95fs; shifts the reading frame from proline 95.
Molecular consequence: frameshift variant.
Genome position (GRCh38, 1-based): chr2:26,236,881-26,236,885, GCCTG deleted on the plus strand (CAGGC on the coding strand, the reverse complement: HADHA is on the minus strand); deleting any 5 consecutive bases within chr2:26,236,881-26,236,887 gives the same sequence; the c. name uses the placement nearest the transcript's 3' end. VCF-style (leftmost placement, unchanged base first): chr2-26236880-AGCCTG-A. GRCh37 (hg19) VCF-style: chr2-26459748-AGCCTG-A.
Other names: short protein forms P95fs.
Identifiers: ClinVar variation 1725500 (VCV001725500.3), dbSNP rs2465605117, ClinGen allele CA2580066152.
Genomic context (GRCh38, chr2:26,236,880, plus strand): 5'-AGATAAAAGGTGACTTCAAGTTTCCTAAAACTTACTTGATATCAGCACCTGCAATAAAGC[AGCCTG>A]GCTTTGATGAGATAAGGACGGCACTTCTGATTTGATCACTAGCCCAGATTTCATTCATAA-3'